The following is an entry in ClinVar:

NM_002471.4(MYH6):c.301G>A (p.Val101Met)

Genes: MYH6 (myosin heavy chain 6; minus strand), LOC114827851 (VISTA enhancer hs2155; plus strand). Cytogenetic location: 14q11.2.
Variant type: single nucleotide variant.
Coding change: c.301G>A on transcript NM_002471.4 (MANE Select); coding-DNA position 301, G replaced by A.
Protein change: p.Val101Met; replaces valine 101 with methionine.
Molecular consequence: missense variant.
Genome position (GRCh38, 1-based): chr14:23,405,671, C>T on the plus strand (G>A on the coding strand, the complement: MYH6 is on the minus strand). VCF-style: chr14-23405671-C-T. GRCh37 (hg19) VCF-style: chr14-23874880-C-T.
Other names: c.301G>A (NM_002471.3); short protein forms V101M.
Identifiers: ClinVar variation 3297475 (VCV003297475.3), dbSNP rs1004123964.

ClinVar aggregate classification (germline): Uncertain significance. Review status: criteria provided, multiple submitters, no conflicts (2 of 4 stars). 3 submissions from 3 submitters: Uncertain significance (3). Last evaluated 2026-03-04.

Conditions:
Cardiovascular phenotype. Identifiers: MedGen CN230736.
MYH6-related disorder. Also called: MYH6-related condition; MYH6-Related Disorders.
Hypertrophic cardiomyopathy 14. Identifiers: MedGen C2750467, MONDO:0013197, OMIM 613251.

Allele frequency attached by ClinVar (database versions not stated): gnomAD exomes below 0.00001; TOPMed 0.00001.
gnomAD v4.1: 2 of 1,614,170 alleles (0.00012%); highest among the groups gnomAD compares: Non-Finnish European, 0.00017%; no homozygotes.

Submissions (3):

PreventionGenetics, part of Exact Sciences
Classification: Uncertain significance for MYH6-related condition. Last evaluated: 2026-03-04. Review status: criteria provided, single submitter. Criteria: ACMG Guidelines, 2015. Collection method: clinical testing. Allele origin: germline.
Comment: The MYH6 c.301G>A variant is predicted to result in the amino acid substitution p.Val101Met. This variant has been reported in an individual with dilated cardiomyopathy (Table S1, Dal Ferro et al. 2017. PubMed ID: 28416588). This variant has also been reported in an individual with peripheral pulmonary artery stenosis and pulmonary arterial hypertension; however, it was inherited from the unaffected mother and considered non-contributory to phenotypes (Steffes et al. 2026. PubMed ID: 41574350). This variant is reported in 0.00088% of alleles in individuals of European (Non-Finnish) descent in gnomAD. At this time, the clinical significance of this variant is uncertain due to the absence of conclusive functional and genetic evidence.

Labcorp Genetics (formerly Invitae), Labcorp
Classification: Uncertain significance for Hypertrophic cardiomyopathy 14. Last evaluated: 2025-12-16. Review status: criteria provided, single submitter. Criteria: Invitae Variant Classification Sherloc (09022015). Collection method: clinical testing. Allele origin: germline.
Comment: This sequence change replaces valine, which is neutral and non-polar, with methionine, which is neutral and non-polar, at codon 101 of the MYH6 protein (p.Val101Met). This variant is present in population databases (no rsID available, gnomAD 0.0009%). This missense change has been observed in individual(s) with dilated cardiomyopathy (PMID: 28416588). ClinVar contains an entry for this variant (Variation ID: 3297475). Invitae Evidence Modeling of protein sequence and biophysical properties (such as structural, functional, and spatial information, amino acid conservation, physicochemical variation, residue mobility, and thermodynamic stability) indicates that this missense variant is expected to disrupt MYH6 protein function with a positive predictive value of 80%. In summary, the available evidence is currently insufficient to determine the role of this variant in disease. Therefore, it has been classified as a Variant of Uncertain Significance.

Ambry Genetics
Classification: Uncertain significance for Cardiovascular phenotype. Last evaluated: 2024-03-23. Review status: criteria provided, single submitter. Criteria: Ambry Variant Classification Scheme 2023. Collection method: clinical testing. Allele origin: germline.
Comment: The p.V101M variant (also known as c.301G>A), located in coding exon 2 of the MYH6 gene, results from a G to A substitution at nucleotide position 301. The valine at codon 101 is replaced by methionine, an amino acid with highly similar properties. This alteration has been reported in a dilated cardiomyopathy (DCM) cohort (Dal Ferro M et al. Heart, 2017 Nov;103:1704-1710). This amino acid position is highly conserved in available vertebrate species. In addition, this alteration is predicted to be deleterious by in silico analysis. Based on the available evidence, the clinical significance of this alteration remains unclear.

Literature cited by the submitters: PubMed 28416588 (cited by Labcorp Genetics (formerly Invitae), Labcorp and Ambry Genetics).